The following is an entry in ClinVar:

ClinVar aggregate classification (germline): Uncertain significance (1 of 4 stars; one submission).

Submission:

Labcorp Genetics (formerly Invitae), Labcorp
Classification: Uncertain significance. Last evaluated: 2022-06-01. Review status: criteria provided, single submitter. Criteria: Invitae Variant Classification Sherloc (09022015). Collection method: clinical testing. Allele origin: germline.
Comment: This sequence change replaces glutamic acid, which is acidic and polar, with lysine, which is basic and polar, at codon 52 of the TSPAN12 protein (p.Glu52Lys). This variant is not present in population databases (gnomAD no frequency). This variant has not been reported in the literature in individuals affected with TSPAN12-related conditions. Algorithms developed to predict the effect of missense changes on protein structure and function (SIFT, PolyPhen-2, Align-GVGD) all suggest that this variant is likely to be tolerated. Algorithms developed to predict the effect of sequence changes on RNA splicing suggest that this variant may create or strengthen a splice site. In summary, the available evidence is currently insufficient to determine the role of this variant in disease. Therefore, it has been classified as a Variant of Uncertain Significance.

NM_012338.4(TSPAN12):c.154G>A (p.Glu52Lys)

Gene: TSPAN12 (tetraspanin 12; minus strand). Cytogenetic location: 7q31.31.
Variant type: single nucleotide variant.
Coding change: c.154G>A on transcript NM_012338.4 (MANE Select); coding-DNA position 154, G replaced by A.
Protein change: p.Glu52Lys; replaces glutamic acid 52 with lysine.
Molecular consequence: missense variant.
Genome position (GRCh38, 1-based): chr7:120,838,908, C>T on the plus strand (G>A on the coding strand, the complement: TSPAN12 is on the minus strand). VCF-style: chr7-120838908-C-T. GRCh37 (hg19) VCF-style: chr7-120478962-C-T.
Other names: short protein forms E52K.
Identifiers: ClinVar variation 2048245 (VCV002048245.4), dbSNP rs2485420489, ClinGen allele CA369141446.